The following is an entry in ClinVar:

NM_001371986.1(UNC80):c.1514G>A (p.Arg505Gln)

Gene: UNC80 (unc-80 homolog, NALCN channel complex subunit; plus strand). Cytogenetic location: 2q34.
Variant type: single nucleotide variant.
Coding change: c.1514G>A on transcript NM_001371986.1 (MANE Select); coding-DNA position 1514, G replaced by A.
Protein change: p.Arg505Gln; replaces arginine 505 with glutamine.
Molecular consequence: missense variant.
Genome position (GRCh38, 1-based): chr2:209,817,087, G>A. VCF-style: chr2-209817087-G-A. GRCh37 (hg19) VCF-style: chr2-210681811-G-A.
Other names: c.1514G>A, p.Arg505Gln (NM_032504.2, NM_182587.4); c.1514G>A (NM_032504.1); short protein forms R505Q.
Identifiers: ClinVar variation 1358535 (VCV001358535.3), dbSNP rs967949743, ClinGen allele CA64666532.
Genomic context (GRCh38, chr2:209,817,087, plus strand): 5'-TGTCCCCCACGCGCAGCACATTCTCCTTTGGAAGTTTCTCTGGGCTGGGAGAAGACAGGC[G>A]AGGAATTGAGAAAGGAGGCTGGCAAACCACCATTTTAGGTGACCACAAGGCCTTCCAAAA-3'
Protein context (NP_001358915.1, residues 495-515): GSFSGLGEDR[Arg505Gln]GIEKGGWQTT

ClinVar aggregate classification (germline): Uncertain significance. Review status: criteria provided, multiple submitters, no conflicts (2 of 4 stars). 2 submissions from 2 submitters: Uncertain significance (2). Last evaluated 2023-03-22.

Allele frequency attached by ClinVar (database versions not stated): gnomAD exomes 0.00001; TOPMed 0.00002; gnomAD 0.00003 and 0.00004.
gnomAD v4.1: 25 of 1,551,570 alleles (0.0016%); highest among the groups gnomAD compares: African/African-American, 0.0027%; no homozygotes.

Submissions (2):

GeneDx
Classification: Uncertain significance. Last evaluated: 2023-03-22. Review status: criteria provided, single submitter. Criteria: GeneDx Variant Classification Process June 2021. Collection method: clinical testing. Allele origin: germline. Affected: yes.
Comment: Reported heterozygous in one individual with autism and in another individual of unknown zygosity with autism; further clinical information was not provided (Stessman et al., 2017); In silico analysis suggests this variant may impact gene splicing. In the absence of RNA/functional studies, the actual effect of this sequence change is unknown.; In silico analysis supports that this missense variant does not alter protein structure/function; This variant is associated with the following publications: (PMID: 28191889)

Labcorp Genetics (formerly Invitae), Labcorp
Classification: Uncertain significance. Last evaluated: 2022-08-19. Review status: criteria provided, single submitter. Criteria: Invitae Variant Classification Sherloc (09022015). Collection method: clinical testing. Allele origin: germline.
Comment: This sequence change replaces arginine, which is basic and polar, with glutamine, which is neutral and polar, at codon 505 of the UNC80 protein (p.Arg505Gln). This variant is present in population databases (no rsID available, gnomAD 0.006%). This variant has not been reported in the literature in individuals affected with UNC80-related conditions. ClinVar contains an entry for this variant (Variation ID: 1358535). Algorithms developed to predict the effect of missense changes on protein structure and function are either unavailable or do not agree on the potential impact of this missense change (SIFT: "Not Available"; PolyPhen-2: "Possibly Damaging"; Align-GVGD: "Not Available"). Algorithms developed to predict the effect of sequence changes on RNA splicing suggest that this variant may create or strengthen a splice site. In summary, the available evidence is currently insufficient to determine the role of this variant in disease. Therefore, it has been classified as a Variant of Uncertain Significance.